The following is an entry in ClinVar:

ClinVar aggregate classification (germline): Benign. Review status: criteria provided, multiple submitters, no conflicts (2 of 4 stars). 4 submissions from 4 submitters: Benign (4). Last evaluated 2018-04-04.

Conditions:
Deficiency of butyryl-CoA dehydrogenase (ACADSD). Also called: SCADH DEFICIENCY; SCAD DEFICIENCY, MILD; ACYL-CoA DEHYDROGENASE, SHORT-CHAIN, DEFICIENCY OF; ACADS DEFICIENCY; SCAD Deficiency; Short-Chain Acyl-CoA Dehydrogenase Deficiency. Identifiers: Orphanet 26792, MedGen C0342783, MONDO:0008722, OMIM 201470. Disease mechanism: May be benign.

Allele frequency attached by ClinVar (database versions not stated): gnomAD 0.02244; 1000 Genomes Project 0.02256; 1000 Genomes Project 30x 0.02514; ESP Exome Variant Server 0.02514; TOPMed 0.02731.
gnomAD v4.1: 6,915 of 1,606,178 alleles (0.43%); highest among the groups gnomAD compares: African/African-American, 8.2%; 250 homozygotes.

Submissions (4):

Mayo Clinic Laboratories, Mayo Clinic
Classification: Benign. Last evaluated: 2018-04-04. Review status: criteria provided, single submitter. Criteria: ACMG Guidelines, 2015. Collection method: clinical testing. Allele origin: germline. Observed: 22 variant alleles.

Illumina Laboratory Services, Illumina
Classification: Benign for Deficiency of butyryl-CoA dehydrogenase. Last evaluated: 2018-01-12. Review status: criteria provided, single submitter. Criteria: ICSL Variant Classification Criteria 13 December 2019. Collection method: clinical testing. Allele origin: germline.
Comment: This variant was observed in the ICSL laboratory as part of a predisposition screen in an ostensibly healthy population. It had not been previously curated by ICSL or reported in the Human Gene Mutation Database (HGMD: prior to June 1st, 2018), and was therefore a candidate for classification through an automated scoring system. Utilizing variant allele frequency, disease prevalence and penetrance estimates, and inheritance mode, an automated score was calculated to assess if this variant is too frequent to cause the disease. Based on the score and internal cut-off values, a variant classified as benign is not then subjected to further curation. The score for this variant resulted in a classification of benign for this disease.

GeneDx
Classification: Benign. Last evaluated: 2016-01-27. Review status: criteria provided, single submitter. Criteria: GeneDx Variant Classification (06012015). Collection method: clinical testing. Allele origin: germline. Affected: yes.
Comment: This variant is considered likely benign or benign based on one or more of the following criteria: it is a conservative change, it occurs at a poorly conserved position in the protein, it is predicted to be benign by multiple in silico algorithms, and/or has population frequency not consistent with disease.

Eurofins Ntd Llc (ga)
Classification: Benign. Last evaluated: 2014-12-19. Review status: criteria provided, single submitter. Criteria: EGL Classification Definitions 2015. Collection method: clinical testing. Allele origin: germline.

NM_000017.4(ACADS):c.*5G>A

Gene: ACADS (acyl-CoA dehydrogenase short chain; plus strand). Cytogenetic location: 12q24.31.
Variant type: single nucleotide variant.
Coding change: c.*5G>A on transcript NM_000017.4 (MANE Select); 5 bases downstream of the stop codon, G replaced by A.
Molecular consequence: 3 prime UTR variant.
Genome position (GRCh38, 1-based): chr12:120,739,453, G>A. VCF-style: chr12-120739453-G-A. GRCh37 (hg19) VCF-style: chr12-121177256-G-A.
Other names: c.*5G>A (NM_001302554.2).
Identifiers: ClinVar variation 193540 (VCV000193540.10), dbSNP rs2229533, ClinGen allele CA200649.